The following is an entry in ClinVar:

ClinVar aggregate classification (germline): Likely pathogenic (1 of 4 stars; one submission).

Conditions:
Retinoblastoma (RB1). Also called: RETINOBLASTOMA, SOMATIC. Identifiers: Orphanet 790, MedGen C0035335, MeSH D012175, MONDO:0008380, OMIM 180200, HP:0009919. Disease mechanism: loss of function. Inheritance: Both sporadic and heritable forms are tested..

Submission:

3billion
Classification: Likely pathogenic for Retinoblastoma. Last evaluated: 2025-07-01. Review status: criteria provided, single submitter. Criteria: ACMG Guidelines, 2015. Collection method: clinical testing. Allele origin: germline. Affected: yes.
Comment: The variant is not observed in the gnomAD v4.1.0 dataset. Predicted Consequence/Location: Stop-gained (nonsense): predicted to result in a loss or disruption of normal protein function through nonsense-mediated decay (NMD) or protein truncation. Multiple pathogenic variants are reported downstream of the variant. Therefore, this variant is classified as Likely pathogenic according to the recommendation of ACMG/AMP guideline.

NM_000321.3(RB1):c.2427_2437del (p.Leu809_Lys810insTer)

Gene: RB1 (RB transcriptional corepressor 1; plus strand). Cytogenetic location: 13q14.2.
Variant type: Deletion.
Coding change: c.2427_2437del on transcript NM_000321.3 (MANE Select); coding-DNA positions 2427 to 2437, 11 bases deleted (GAAGAGTCCAT).
Protein change: p.Leu809_Lys810insTer.
Molecular consequence: frameshift variant.
Genome position (GRCh38, 1-based): chr13:48,465,306-48,465,316, GAAGAGTCCAT deleted; deleting any 11 consecutive bases within chr13:48,465,305-48,465,316 gives the same sequence; the c. name uses the placement nearest the transcript's 3' end. VCF-style (leftmost placement, unchanged base first): chr13-48465304-CTGAAGAGTCCA-C. GRCh37 (hg19) VCF-style: chr13-49039440-CTGAAGAGTCCA-C.
Other names: c.2427_2437del, p.Leu809_Lys810insTer (NM_001407165.1).
Identifiers: ClinVar variation 4854537 (VCV004854537.1).